The following is an entry in ClinVar:

ClinVar aggregate classification (germline): Pathogenic/Likely pathogenic. Review status: criteria provided, multiple submitters, no conflicts (2 of 4 stars). 6 submissions from 6 submitters: Pathogenic (4); Likely pathogenic (1). 1 of the submissions does not count toward it. Last evaluated 2025-09-10.

Conditions:
Biotinidase deficiency. Also called: Biotin deficiency; BTD deficiency; Late-onset biotin-responsive multiple carboxylase deficiency. Identifiers: Orphanet 79241, MedGen C0220754, MONDO:0009665, OMIM 253260.

Allele frequency attached by ClinVar (database versions not stated): gnomAD exomes below 0.00001; ExAC 0.00001.
gnomAD v4.1: 5 of 1,614,084 alleles (0.00031%); highest among the groups gnomAD compares: South Asian, 0.0022%; no homozygotes.

Submissions (6):

Genomic Medicine Center of Excellence, King Faisal Specialist Hospital and Research Centre
Classification: Likely pathogenic for Biotinidase deficiency. Last evaluated: 2025-09-10. Review status: criteria provided, single submitter. Criteria: ACMG Guidelines, 2015. Collection method: clinical testing. Allele origin: germline.

Natera, Inc.
Classification: Pathogenic for Biotinidase deficiency. Last evaluated: 2025-09-05. Review status: criteria provided, single submitter. Criteria: Natera Variant Classification Schema (03/2026). Collection method: clinical testing. Allele origin: germline.
Comment: The c.218A>G variant in BTD is a missense variant predicted to cause substitution of tyrosine to cysteine at amino acid 73. This variant is rare in the general population with a frequency below the threshold expected for the associated phenotype(s). This variant has been observed in one or more individuals affected with the associated recessive disease, as either homozygous or compound heterozygous with a second variant (PMID: 12359137, 26810761, 33312878, 33123633, 34136440, 38299772). Computational prediction algorithms indicate this variant is likely to affect gene or protein function. Given the available evidence, this variant is classified as Pathogenic.

CeGaT Center for Human Genetics Tuebingen
Classification: Pathogenic. Last evaluated: 2024-06-01. Review status: criteria provided, single submitter. Criteria: CeGaT Center For Human Genetics Tuebingen Variant Classification Criteria Version 2. Collection method: clinical testing. Allele origin: germline. Affected: yes. Observed: 1 variant allele.
Comment: BTD: PM3:Very Strong, PM2

Labcorp Genetics (formerly Invitae), Labcorp
Classification: Pathogenic for Biotinidase deficiency. Last evaluated: 2024-01-05. Review status: criteria provided, single submitter. Criteria: Invitae Variant Classification Sherloc (09022015). Collection method: clinical testing. Allele origin: germline.
Comment: This sequence change replaces tyrosine, which is neutral and polar, with cysteine, which is neutral and slightly polar, at codon 93 of the BTD protein (p.Tyr93Cys). This variant is present in population databases (rs397514348, gnomAD 0.003%). This missense change has been observed in individual(s) with biotinidase deficiency (PMID: 12359137, 25144890, 26810761; Invitae). ClinVar contains an entry for this variant (Variation ID: 24993). Advanced modeling of protein sequence and biophysical properties (such as structural, functional, and spatial information, amino acid conservation, physicochemical variation, residue mobility, and thermodynamic stability) performed at Invitae indicates that this missense variant is expected to disrupt BTD protein function with a positive predictive value of 95%. For these reasons, this variant has been classified as Pathogenic.

Women's Health and Genetics/Laboratory Corporation of America, LabCorp
Classification: Pathogenic for Biotinidase deficiency. Last evaluated: 2023-09-19. Review status: criteria provided, single submitter. Criteria: LabCorp Variant Classification Summary - May 2015. Collection method: clinical testing. Allele origin: germline.
Comment: Variant summary: BTD c.218A>G (p.Tyr73Cys) results in a non-conservative amino acid change in the encoded protein sequence. Five of five in-silico tools predict a damaging effect of the variant on protein function. The variant allele was found at a frequency of 4e-06 in 251380 control chromosomes (gnomAD). c.218A>G (also known as c.278A>G/p.Y93C) has been reported in the literature in multiple individuals affected with Biotinidase Deficiency (examples: Wolf_2002, Jay_2016, Procter_2016, Maguolo_2021, Akgun_2021). These data indicate that the variant is very likely to be associated with disease. The following publications have been ascertained in the context of this evaluation (PMID: 34448386, 25144890, 34136440, 26810761, 12359137). Three submitters have cited clinical-significance assessments for this variant to ClinVar after 2014. All submitters classified the variant as pathogenic/likely pathogenic. Based on the evidence outlined above, the variant was classified as pathogenic.

Counsyl
Classification: Likely pathogenic for Biotinidase deficiency. Last evaluated: 2018-03-28. Review status: no assertion criteria provided. Collection method: clinical testing. Allele origin: unknown. Not counted in ClinVar's aggregate classification.

Literature cited by the submitters: PubMed 12359137 (cited by 4 submitters); PubMed 26810761 (cited by 4 submitters); PubMed 33312878 (cited by Natera, Inc.); PubMed 33123633 (cited by Natera, Inc.); PubMed 34136440 (cited by Natera, Inc. and Women's Health and Genetics/Laboratory Corporation of America, LabCorp); PubMed 38299772 (cited by Natera, Inc.); PubMed 25144890 (cited by 3 submitters); PubMed 34448386 (cited by Women's Health and Genetics/Laboratory Corporation of America, LabCorp); PubMed 28498829 (cited by Counsyl); PubMed 25754625 (cited by Counsyl).

NM_001370658.1(BTD):c.218A>G (p.Tyr73Cys)

Gene: BTD (biotinidase; plus strand). Cytogenetic location: 3p25.1.
Variant type: single nucleotide variant.
Coding change: c.218A>G on transcript NM_001370658.1 (MANE Select); coding-DNA position 218, A replaced by G.
Protein change: p.Tyr73Cys; replaces tyrosine 73 with cysteine.
Molecular consequence: missense variant.
Genome position (GRCh38, 1-based): chr3:15,635,657, A>G. VCF-style: chr3-15635657-A-G. GRCh37 (hg19) VCF-style: chr3-15677164-A-G.
Other names: c.278A>G, p.Tyr93Cys (NM_000060.4); c.218A>G, p.Tyr73Cys (NM_001281723.4, NM_001281724.3, NM_001281725.3 and 37 more transcripts); short protein forms Y73C.
Identifiers: ClinVar variation 24993 (VCV000024993.37), dbSNP rs397514348, ClinGen allele CA278179.